The following is an entry in ClinVar:

NM_004446.3(EPRS1):c.1743-8A>C

Gene: EPRS1 (glutamyl-prolyl-tRNA synthetase 1; minus strand). Cytogenetic location: 1q41.
Variant type: single nucleotide variant.
Coding change: c.1743-8A>C on transcript NM_004446.3 (MANE Select); 8 bases into the intron before coding-DNA position 1743, A replaced by C.
Molecular consequence: intron variant.
Genome position (GRCh38, 1-based): chr1:220,006,321, T>G on the plus strand (A>C on the coding strand, the complement: EPRS1 is on the minus strand). VCF-style: chr1-220006321-T-G. GRCh37 (hg19) VCF-style: chr1-220179663-T-G.
Identifiers: ClinVar variation 3054443 (VCV003054443.2), dbSNP rs1558052911, ClinGen allele CA1222236028.

ClinVar aggregate classification (germline): Likely benign (0 of 4 stars; one submission).

Conditions:
EPRS1-related disorder. Also called: EPRS1-related condition.

Submission:

PreventionGenetics, part of Exact Sciences
Classification: Likely benign for EPRS1-related condition. Last evaluated: 2020-04-24. Review status: no assertion criteria provided. Collection method: clinical testing. Allele origin: germline.
Comment: This variant is classified as likely benign based on ACMG/AMP sequence variant interpretation guidelines (Richards et al. 2015 PMID: 25741868, with internal and published modifications).